The following is an entry in ClinVar:

ClinVar aggregate classification (germline): Likely benign (1 of 4 stars; one submission).

Allele frequency attached by ClinVar (database versions not stated): 1000 Genomes Project 30x 0.00016; 1000 Genomes Project 0.00020; TOPMed 0.00030; ESP Exome Variant Server 0.00031.
gnomAD v4.1: 653 of 1,613,448 alleles (0.04%); highest among the groups gnomAD compares: South Asian, 0.15%; 3 homozygotes.

Submission:

CeGaT Center for Human Genetics Tuebingen
Classification: Likely benign. Last evaluated: 2023-01-01. Review status: criteria provided, single submitter. Criteria: CeGaT Center For Human Genetics Tuebingen Variant Classification Criteria Version 2. Collection method: clinical testing. Allele origin: germline. Affected: yes. Observed: 1 variant allele.
Comment: PABPC1: BP4, BP7

NM_002568.4(PABPC1):c.1893C>T (p.Thr631=)

Gene: PABPC1 (poly(A) binding protein cytoplasmic 1; minus strand). Cytogenetic location: 8q22.3.
Variant type: single nucleotide variant.
Coding change: c.1893C>T on transcript NM_002568.4 (MANE Select); coding-DNA position 1893, C replaced by T.
Protein change: p.Thr631=; no amino-acid change (threonine 631 retained).
Molecular consequence: synonymous variant.
Genome position (GRCh38, 1-based): chr8:100,704,316, G>A on the plus strand (C>T on the coding strand, the complement: PABPC1 is on the minus strand). VCF-style: chr8-100704316-G-A. GRCh37 (hg19) VCF-style: chr8-101716544-G-A.
Identifiers: ClinVar variation 2658714 (VCV002658714.24), dbSNP rs146621651, ClinGen allele CA4829103.